The following is an entry in ClinVar:

ClinVar aggregate classification (germline): Uncertain significance (1 of 4 stars; one submission).

gnomAD v4.1: 9 of 1,614,100 alleles (0.00056%); highest among the groups gnomAD compares: East Asian, 0.018%; no homozygotes.

Submission:

Ambry Genetics
Classification: Uncertain significance. Last evaluated: 2025-06-21. Review status: criteria provided, single submitter. Criteria: Ambry Variant Classification Scheme 2023. Collection method: clinical testing. Allele origin: germline.
Comment: The p.S24P variant (also known as c.70T>C), located in coding exon 1 of the CDK12 gene, results from a T to C substitution at nucleotide position 70. The serine at codon 24 is replaced by proline, an amino acid with similar properties. This amino acid position is conserved. In addition, this alteration is predicted to be tolerated by in silico analysis. Based on the available evidence, the clinical significance of this variant remains unclear.

NM_016507.4(CDK12):c.70T>C (p.Ser24Pro)

Genes: CDK12 (cyclin dependent kinase 12; plus strand), LOC126862553 (CDK7 strongly-dependent group 2 enhancer GRCh37_chr17:37618166-37619365; plus strand). Cytogenetic location: 17q12.
Variant type: single nucleotide variant.
Coding change: c.70T>C on transcript NM_016507.4 (MANE Select); coding-DNA position 70, T replaced by C.
Protein change: p.Ser24Pro; replaces serine 24 with proline.
Molecular consequence: missense variant.
Genome position (GRCh38, 1-based): chr17:39,462,141, T>C. VCF-style: chr17-39462141-T-C. GRCh37 (hg19) VCF-style: chr17-37618394-T-C.
Other names: c.70T>C, p.Ser24Pro (NM_015083.4); short protein forms S24P.
Identifiers: ClinVar variation 4224201 (VCV004224201.1).